The following is an entry in ClinVar:

NM_001358921.2(COQ2):c.437A>G (p.Asn146Ser)

Gene: COQ2 (coenzyme Q2, polyprenyltransferase; minus strand). Cytogenetic location: 4q21.23.
Variant type: single nucleotide variant.
Coding change: c.437A>G on transcript NM_001358921.2 (MANE Select); coding-DNA position 437, A replaced by G.
Protein change: p.Asn146Ser; replaces asparagine 146 with serine.
Molecular consequence: missense variant.
Genome position (GRCh38, 1-based): chr4:83,273,601, T>C on the plus strand (A>G on the coding strand, the complement: COQ2 is on the minus strand). VCF-style: chr4-83273601-T-C. GRCh37 (hg19) VCF-style: chr4-84194754-T-C.
Other names: p.N196S:AAT>AGT; p.Asn196Ser; c.587A>G, p.Asn196Ser (NM_015697.9); c.587A>G (NM_015697.8); short protein forms N196S, N146S.
Identifiers: ClinVar variation 136973 (VCV000136973.38), dbSNP rs150295921, ClinGen allele CA290422.

ClinVar aggregate classification (germline): Benign/Likely benign. Review status: criteria provided, multiple submitters, no conflicts (2 of 4 stars). 8 submissions from 8 submitters: Benign (4); Likely benign (4). Last evaluated 2026-01-28.

Allele frequency attached by ClinVar (database versions not stated): gnomAD exomes 0.00049 and 0.00134; ExAC 0.00156; 1000 Genomes Project 30x 0.00328; 1000 Genomes Project 0.00339; ESP Exome Variant Server 0.00481; gnomAD 0.00523 and 0.00580; TOPMed 0.00552.
gnomAD v4.1: 1,541 of 1,613,438 alleles (0.096%); highest among the groups gnomAD compares: African/African-American, 1.8%; 9 homozygotes.

Submissions (8):

Labcorp Genetics (formerly Invitae), Labcorp
Classification: Benign. Last evaluated: 2026-01-28. Review status: criteria provided, single submitter. Criteria: Invitae Variant Classification Sherloc (09022015). Collection method: clinical testing. Allele origin: germline.

CeGaT Center for Human Genetics Tuebingen
Classification: Likely benign. Last evaluated: 2026-01-01. Review status: criteria provided, single submitter. Criteria: CeGaT Center For Human Genetics Tuebingen Variant Classification Criteria Version 2. Collection method: clinical testing. Allele origin: germline. Affected: yes. Observed: 3 variant alleles.
Comment: COQ2: BP4, BS1

Mayo Clinic Laboratories, Mayo Clinic
Classification: Benign. Last evaluated: 2025-02-04. Review status: criteria provided, single submitter. Criteria: ACMG Guidelines, 2015. Collection method: clinical testing. Allele origin: germline. Observed: 18 variant alleles.
Comment: BA1, BS2

Blueprint Genetics
Classification: Likely benign. Last evaluated: 2024-10-02. Review status: criteria provided, single submitter. Criteria: ACMG Guidelines, 2015. Collection method: clinical testing. Allele origin: germline.

Center for Pediatric Genomic Medicine, Children's Mercy Hospital and Clinics
Classification: Likely benign. Last evaluated: 2016-07-11. Review status: criteria provided, single submitter. Criteria: ACMG Guidelines, 2015. Collection method: clinical testing. Allele origin: germline.
ClinVar note: Converted during submission from Likely Benign to Likely benign.

GeneDx
Classification: Benign. Last evaluated: 2013-04-30. Review status: criteria provided, single submitter. Criteria: GeneDx Variant Classification (06012015). Collection method: clinical testing. Allele origin: germline. Affected: yes.
Comment: This variant is considered likely benign or benign based on one or more of the following criteria: it is a conservative change, it occurs at a poorly conserved position in the protein, it is predicted to be benign by multiple in silico algorithms, and/or has population frequency not consistent with disease.

Breakthrough Genomics
Classification: Likely benign. Review status: criteria provided, single submitter. Criteria: ACMG Guidelines, 2015. Collection method: not provided. Allele origin: germline. Inheritance: Autosomal recessive inheritance. Affected: yes.

PreventionGenetics, part of Exact Sciences
Classification: Benign. Review status: criteria provided, single submitter. Criteria: ACMG Guidelines, 2015. Collection method: clinical testing. Allele origin: germline.

Literature cited by the submitters: PubMed 28658201 (cited by Mayo Clinic Laboratories, Mayo Clinic).